The following is an entry in ClinVar:

NM_138694.4(PKHD1):c.7086_7087del (p.Asn2363fs)

Gene: PKHD1 (PKHD1 ciliary IPT domain containing fibrocystin/polyductin; minus strand). Cytogenetic location: 6p12.2.
Variant type: Deletion.
Coding change: c.7086_7087del on transcript NM_138694.4 (MANE Select); coding-DNA positions 7086 to 7087, 2 bases deleted (GA; older notation c.7086_7087delGA).
Protein change: p.Asn2363fs; shifts the reading frame from asparagine 2363.
Molecular consequence: frameshift variant.
Genome position (GRCh38, 1-based): chr6:51,887,155-51,887,156, TC deleted on the plus strand (GA on the coding strand, the reverse complement: PKHD1 is on the minus strand); deleting any 2 consecutive bases within chr6:51,887,155-51,887,157 gives the same sequence; the c. name uses the placement nearest the transcript's 3' end. VCF-style (leftmost placement, unchanged base first): chr6-51887154-TTC-T. GRCh37 (hg19) VCF-style: chr6-51751952-TTC-T.
Other names: c.7086_7087del, p.Asn2363fs (NM_170724.3); short protein forms N2363fs.
Identifiers: ClinVar variation 4816732 (VCV004816732.1).

ClinVar aggregate classification (germline): Likely pathogenic (1 of 4 stars; one submission).

Conditions:
Autosomal recessive polycystic kidney disease (ARPKD). Also called: AR polycystic kidney disease. Identifiers: Orphanet 731, Orphanet 8378, MedGen C0085548, MeSH D017044, MONDO:0009889.

Submission:

Natera, Inc.
Classification: Likely pathogenic for Autosomal recessive polycystic kidney disease. Last evaluated: 2024-06-28. Review status: criteria provided, single submitter. Criteria: Natera Variant Classification Schema (03/2026). Collection method: clinical testing. Allele origin: germline.
Comment: The c.7086_7087del variant in PKHD1 is a frameshift variant predicted to shift the reading frame beginning at codon 2363 and leads to a stop codon 15 codons downstream. This variant is expected to result in nonsense mediated decay, truncation, or a dysfunctional protein product. This variant is rare in the general population with a frequency below the threshold expected for the associated phenotype(s). Given the available evidence, this variant is classified as Likely Pathogenic.